The following is an entry in ClinVar:

NM_004782.4(SNAP29):c.113C>T (p.Pro38Leu)

Gene: SNAP29 (synaptosome associated protein 29; plus strand). Cytogenetic location: 22q11.21.
Variant type: single nucleotide variant.
Coding change: c.113C>T on transcript NM_004782.4 (MANE Select); coding-DNA position 113, C replaced by T.
Protein change: p.Pro38Leu; replaces proline 38 with leucine.
Molecular consequence: missense variant.
Genome position (GRCh38, 1-based): chr22:20,859,223, C>T. VCF-style: chr22-20859223-C-T. GRCh37 (hg19) VCF-style: chr22-21213511-C-T.
Other names: p.Pro38Leu; short protein forms P38L.
Identifiers: ClinVar variation 791217 (VCV000791217.13), dbSNP rs200628919, ClinGen allele CA10117011.

ClinVar aggregate classification (germline): Benign/Likely benign. Review status: criteria provided, multiple submitters, no conflicts (2 of 4 stars). 4 submissions from 4 submitters: Benign (1); Likely benign (3). Last evaluated 2026-01-28.

Conditions:
SNAP29-related disorder. Also called: SNAP29-related condition.

Allele frequency attached by ClinVar (database versions not stated): gnomAD exomes 0.00041; ExAC 0.00057; 1000 Genomes Project 0.00140; gnomAD 0.00154 and 0.00167; 1000 Genomes Project 30x 0.00156; TOPMed 0.00159; ESP Exome Variant Server 0.00191.
gnomAD v4.1: 475 of 1,605,200 alleles (0.03%); highest among the groups gnomAD compares: African/African-American, 0.52%; 2 homozygotes.

Submissions (4):

Labcorp Genetics (formerly Invitae), Labcorp
Classification: Likely benign. Last evaluated: 2026-01-28. Review status: criteria provided, single submitter. Criteria: Invitae Variant Classification Sherloc (09022015). Collection method: clinical testing. Allele origin: germline.

PreventionGenetics, part of Exact Sciences
Classification: Likely benign for SNAP29-related condition. Last evaluated: 2025-08-27. Review status: criteria provided, single submitter. Criteria: ACMG Guidelines, 2015. Collection method: clinical testing. Allele origin: germline.
Comment: This variant is classified as likely benign based on ACMG/AMP sequence variant interpretation guidelines (Richards et al. 2015 PMID: 25741868, with internal and published modifications).

Mayo Clinic Laboratories, Mayo Clinic
Classification: Benign. Last evaluated: 2025-02-07. Review status: criteria provided, single submitter. Criteria: ACMG Guidelines, 2015. Collection method: clinical testing. Allele origin: germline. Observed: 1 variant allele.
Comment: BA1

Breakthrough Genomics
Classification: Likely benign. Review status: criteria provided, single submitter. Criteria: ACMG Guidelines, 2015. Collection method: not provided. Allele origin: germline. Inheritance: Autosomal recessive inheritance. Affected: yes.